The following is an entry in ClinVar:

ClinVar aggregate classification (germline): Pathogenic (1 of 4 stars; one submission).

Conditions:
Hereditary cancer-predisposing syndrome. Also called: Neoplastic Syndromes, Hereditary; Tumor predisposition; Hereditary Cancer Syndrome; Hereditary neoplastic syndrome. Identifiers: Orphanet 140162, MedGen C0027672, MeSH D009386, MONDO:0015356.

Submission:

Ambry Genetics
Classification: Pathogenic for Hereditary cancer-predisposing syndrome. Last evaluated: 2025-11-12. Review status: criteria provided, single submitter. Criteria: Ambry Variant Classification Scheme 2023. Collection method: clinical testing. Allele origin: germline.
Comment: The c.2223delT pathogenic mutation, located in coding exon 15 of the MSH3 gene, results from a deletion of one nucleotide at nucleotide position 2223, causing a translational frameshift with a predicted alternate stop codon (p.A742Hfs*4). This variant is considered to be rare based on population cohorts in the Genome Aggregation Database (gnomAD). This alteration is expected to result in loss of function by premature protein truncation or nonsense-mediated mRNA decay. As such, this alteration is interpreted as a disease-causing mutation.

NM_002439.5(MSH3):c.2223del (p.Ala742fs)

Gene: MSH3 (mutS homolog 3; plus strand). Cytogenetic location: 5q14.1.
Variant type: Deletion.
Coding change: c.2223del on transcript NM_002439.5 (MANE Select); coding-DNA position 2223, one base deleted (T; older notation c.2223delT).
Protein change: p.Ala742fs; shifts the reading frame from alanine 742.
Molecular consequence: frameshift variant.
Genome position (GRCh38, 1-based): chr5:80,768,973, T deleted. VCF-style (leftmost placement, unchanged base first): chr5-80768972-CT-C. GRCh37 (hg19) VCF-style: chr5-80064791-CT-C.
Other names: short protein forms A742fs.
Identifiers: ClinVar variation 4654781 (VCV004654781.1).